The following is an entry in ClinVar:

ClinVar aggregate classification (germline): Pathogenic (1 of 4 stars; one submission).

Conditions:
Granulomatous disease, chronic, X-linked. Also called: CYTOCHROME b-NEGATIVE GRANULOMATOUS DISEASE, CHRONIC, X-LINKED; GRANULOMATOUS DISEASE, CHRONIC, X-LINKED, SOMATIC MOSAIC. Identifiers: Orphanet 379, MedGen C1844376, MONDO:0010600, OMIM 306400.

Submission:

Labcorp Genetics (formerly Invitae), Labcorp
Classification: Pathogenic for Granulomatous disease, chronic, X-linked. Last evaluated: 2021-12-23. Review status: criteria provided, single submitter. Criteria: Invitae Variant Classification Sherloc (09022015). Collection method: clinical testing. Allele origin: germline.
Comment: For these reasons, this variant has been classified as Pathogenic. This variant disrupts a region of the CYBB protein in which other variant(s) (deletion exon 13) have been determined to be pathogenic (PMID: 21190454). This suggests that this is a clinically significant region of the protein, and that variants that disrupt it are likely to be disease-causing. A similar copy number variant has been observed in individuals with chronic granulomatous disease (PMID: 20729109; Invitae). This variant is a gross deletion of the genomic region encompassing exon(s) 7-13 of the CYBB gene, which includes the termination codon. This deletion extends beyond the assayed region for this gene and therefore may encompass additional genes. While this deletion is not anticipated to lead to nonsense mediated decay, it is expected to alter mRNA translation or result in a truncated protein product.

Literature cited by the submitters: PubMed 21190454; PubMed 20729109.

NC_000023.10:g.(?_37658188)_(37670170_?)del

Gene: CYBB (cytochrome b-245 beta chain; plus strand). Cytogenetic location: Xp11.4.
Variant type: Deletion.
Identifiers: ClinVar variation 2423025 (VCV002423025.6).